The following is an entry in ClinVar:

ClinVar aggregate classification (germline): Likely benign. Review status: criteria provided, multiple submitters, no conflicts (2 of 4 stars). 3 submissions from 3 submitters: Likely benign (2). 1 of the submissions does not count toward it. Last evaluated 2026-06-01.

Conditions:
Sanfilippo syndrome. Also called: Mucopolysaccharidosis Type III; Mucopolysaccharidosis type 3; Sanfilippo disease. Identifiers: Orphanet 581, MedGen C0026706, MONDO:0018937.
Mucopolysaccharidosis, MPS-III-D (MPS3D). Also called: MPS III D; Mucopoly-saccharidosis type 3D; N-acetylglucosamine-6-sulfate sulfatase deficiency; MPS 3D; MPS IIID (Sanfilippo Syndrome Type D); N-ACETYLGLUCOSAMINE-6-SULFATASE DEFICIENCY. Identifiers: Orphanet 581, Orphanet 79272, MedGen C0086650, MONDO:0009658, OMIM 252940.

Allele frequency attached by ClinVar (database versions not stated): gnomAD 0.00006; gnomAD exomes 0.00007; ExAC 0.00010; TOPMed 0.00012.
gnomAD v4.1: 234 of 1,541,278 alleles (0.015%); highest among the groups gnomAD compares: Non-Finnish European, 0.019%; 1 homozygote.

Submissions (3):

CeGaT Center for Human Genetics Tuebingen
Classification: Likely benign. Last evaluated: 2026-06-01. Review status: criteria provided, single submitter. Criteria: CeGaT Center For Human Genetics Tuebingen Variant Classification Criteria Version 2. Collection method: clinical testing. Allele origin: germline. Affected: yes. Observed: 1 variant allele.
Comment: GNS: BP4, BP7

Labcorp Genetics (formerly Invitae), Labcorp
Classification: Likely benign for Mucopolysaccharidosis, MPS-III-D. Last evaluated: 2026-01-14. Review status: criteria provided, single submitter. Criteria: Invitae Variant Classification Sherloc (09022015). Collection method: clinical testing. Allele origin: germline.

Natera, Inc.
Classification: Likely benign for Sanfilippo disease. Last evaluated: 2020-04-03. Review status: no assertion criteria provided. Collection method: clinical testing. Allele origin: germline. Not counted in ClinVar's aggregate classification.

NM_002076.4(GNS):c.30G>A (p.Arg10=)

Gene: GNS (glucosamine (N-acetyl)-6-sulfatase; minus strand). Cytogenetic location: 12q14.3.
Variant type: single nucleotide variant.
Coding change: c.30G>A on transcript NM_002076.4 (MANE Select); coding-DNA position 30, G replaced by A.
Protein change: p.Arg10=; no amino-acid change (arginine 10 retained).
Molecular consequence: synonymous variant.
Genome position (GRCh38, 1-based): chr12:64,759,247, C>T on the plus strand (G>A on the coding strand, the complement: GNS is on the minus strand). VCF-style: chr12-64759247-C-T. GRCh37 (hg19) VCF-style: chr12-65153027-C-T.
Identifiers: ClinVar variation 750732 (VCV000750732.13), dbSNP rs753033310, ClinGen allele CA6670054.